The following is an entry in ClinVar:

NM_000214.3(JAG1):c.887A>G (p.Asp296Gly)

Gene: JAG1 (jagged canonical Notch ligand 1; minus strand). Cytogenetic location: 20p12.2.
Variant type: single nucleotide variant.
Coding change: c.887A>G on transcript NM_000214.3 (MANE Select); coding-DNA position 887, A replaced by G.
Protein change: p.Asp296Gly; replaces aspartic acid 296 with glycine.
Molecular consequence: missense variant.
Genome position (GRCh38, 1-based): chr20:10,652,250, T>C on the plus strand (A>G on the coding strand, the complement: JAG1 is on the minus strand). VCF-style: chr20-10652250-T-C. GRCh37 (hg19) VCF-style: chr20-10632898-T-C.
Other names: short protein forms D296G.
Identifiers: ClinVar variation 3573397 (VCV003573397.2).

Conditions:
Arteriohepatic dysplasia. Also called: Alagille Syndrome. Identifiers: Orphanet 52, MedGen C0085280, MeSH D016738, MONDO:0007318.

Submission:

Gilbert/Spinner Lab, Children's Hospital of Philadelphia
No classification provided (evidence only). Condition: Alagille syndrome. Review status: no classification provided. Collection method: research. Allele origin: not applicable. Functional consequence: functionally_abnormal.
ClinVar note: "not provided" was previously submitted as the classification for the variant. However, the classification appeared to be based only on an observation of functional data so it was converted to no classification on 2025-07-30.